The following is an entry in ClinVar:

NM_019098.5(CNGB3):c.3G>A (p.Met1Ile)

Gene: CNGB3 (cyclic nucleotide gated channel subunit beta 3; minus strand). Cytogenetic location: 8q21.3.
Variant type: single nucleotide variant.
Coding change: c.3G>A on transcript NM_019098.5 (MANE Select); coding-DNA position 3, G replaced by A.
Protein change: p.Met1Ile; changes the start codon (methionine 1).
Molecular consequence: missense variant, initiator codon variant.
Genome position (GRCh38, 1-based): chr8:86,743,625, C>T on the plus strand (G>A on the coding strand, the complement: CNGB3 is on the minus strand). VCF-style: chr8-86743625-C-T. GRCh37 (hg19) VCF-style: chr8-87755853-C-T.
Other names: short protein forms M1I.
Identifiers: ClinVar variation 427670 (VCV000427670.9), dbSNP rs1554619513, ClinGen allele CA371452942.

ClinVar aggregate classification (germline): Pathogenic/Likely pathogenic. Review status: criteria provided, multiple submitters, no conflicts (2 of 4 stars). 3 submissions from 3 submitters: Pathogenic (1); Likely pathogenic (1). 1 of the submissions does not count toward it. Last evaluated 2024-07-10.

Conditions:
Achromatopsia. Also called: Rod monochromatism. Identifiers: Orphanet 49382, MedGen C0152200, MONDO:0018852, HP:0011516.
Achromatopsia 3 (ACHM3). Also called: ACHROMATOPSIA WITH MYOPIA; PINGELAPESE BLINDNESS; TOTAL COLORBLINDNESS WITH MYOPIA; ROD MONOCHROMACY 1; ROD MONOCHROMATISM 1. Identifiers: Orphanet 49382, MedGen C1849792, MONDO:0009875, OMIM 262300.

Submissions (3):

Natera, Inc.
Classification: Pathogenic for Achromatopsia. Last evaluated: 2024-07-10. Review status: criteria provided, single submitter. Criteria: Natera Variant Classification Schema (03/2026). Collection method: clinical testing. Allele origin: germline.
Comment: The c.3G>A variant in CNGB3 is predicted to result in start loss due to disruption of the initiator methionine. This variant is expected to result in nonsense mediated decay, truncation, or a dysfunctional protein product. This variant is rare in the general population with a frequency below the threshold expected for the associated phenotype(s). This variant has been observed in one or more individuals affected with the associated recessive disease, as either homozygous or compound heterozygous with a second variant (PMID: 28795510). Given the available evidence, this variant is classified as Pathogenic.

Labcorp Genetics (formerly Invitae), Labcorp
Classification: Likely pathogenic. Last evaluated: 2023-08-28. Review status: criteria provided, single submitter. Criteria: Invitae Variant Classification Sherloc (09022015). Collection method: clinical testing. Allele origin: germline.
Comment: In summary, the currently available evidence indicates that the variant is pathogenic, but additional data are needed to prove that conclusively. Therefore, this variant has been classified as Likely Pathogenic. ClinVar contains an entry for this variant (Variation ID: 427670). Disruption of the initiator codon has been observed in individual(s) with achromatopsia and/or CNGB3-related conditions (PMID: 28795510, 35119454). In at least one individual the data is consistent with being in trans (on the opposite chromosome) from a pathogenic variant. This variant is not present in population databases (gnomAD no frequency). This sequence change affects the initiator methionine of the CNGB3 mRNA. The next in-frame methionine is located at codon 104.

Molecular Genetics Laboratory, Institute for Ophthalmic Research
Classification: Pathogenic for ACHM3. Last evaluated: 2017-03-27. Review status: no assertion criteria provided. Collection method: research. Allele origin: unknown. Affected: yes. Not counted in ClinVar's aggregate classification.

Literature cited by the submitters: PubMed 28795510 (cited by 3 submitters); PubMed 35119454 (cited by Labcorp Genetics (formerly Invitae), Labcorp).